The following is an entry in ClinVar:

ClinVar aggregate classification (germline): Uncertain significance. Review status: criteria provided, multiple submitters, no conflicts (2 of 4 stars). 2 submissions from 2 submitters: Uncertain significance (2). Last evaluated 2026-08-29.

Conditions:
Cardiovascular phenotype. Identifiers: MedGen CN230736.
Dilated cardiomyopathy 1O (CMD1O). Also called: CARDIOMYOPATHY, DILATED, WITH VENTRICULAR TACHYCARDIA. Identifiers: Orphanet 154, MedGen C1837839, MONDO:0012062, OMIM 608569.

Submissions (2):

Ambry Genetics
Classification: Uncertain significance for Cardiovascular phenotype. Last evaluated: 2026-08-29. Review status: criteria provided, single submitter. Criteria: Ambry Variant Classification Scheme 2023. Collection method: clinical testing. Allele origin: germline.
Comment: The p.N186S variant (also known as c.557A>G), located in coding exon 4 of the ABCC9 gene, results from an A to G substitution at nucleotide position 557. The asparagine at codon 186 is replaced by serine, an amino acid with highly similar properties. This amino acid position is conserved. In addition, this alteration is predicted to be tolerated by in silico analysis. Based on the available evidence, the clinical significance of this variant remains unclear.

Labcorp Genetics (formerly Invitae), Labcorp
Classification: Uncertain significance for Dilated cardiomyopathy 1O. Last evaluated: 2025-03-11. Review status: criteria provided, single submitter. Criteria: Invitae Variant Classification Sherloc (09022015). Collection method: clinical testing. Allele origin: germline.
Comment: This sequence change replaces asparagine, which is neutral and polar, with serine, which is neutral and polar, at codon 186 of the ABCC9 protein (p.Asn186Ser). This variant is not present in population databases (gnomAD no frequency). This variant has not been reported in the literature in individuals affected with ABCC9-related conditions. Invitae Evidence Modeling of protein sequence and biophysical properties (such as structural, functional, and spatial information, amino acid conservation, physicochemical variation, residue mobility, and thermodynamic stability) indicates that this missense variant is expected to disrupt ABCC9 protein function with a positive predictive value of 95%. In summary, the available evidence is currently insufficient to determine the role of this variant in disease. Therefore, it has been classified as a Variant of Uncertain Significance.

NM_020297.4(ABCC9):c.557A>G (p.Asn186Ser)

Gene: ABCC9 (ATP binding cassette subfamily C member 9; minus strand). Cytogenetic location: 12p12.1.
Variant type: single nucleotide variant.
Coding change: c.557A>G on transcript NM_020297.4 (MANE Select); coding-DNA position 557, A replaced by G.
Protein change: p.Asn186Ser; replaces asparagine 186 with serine.
Molecular consequence: missense variant. On other transcripts: intron variant (1).
Genome position (GRCh38, 1-based): chr12:21,916,953, T>C on the plus strand (A>G on the coding strand, the complement: ABCC9 is on the minus strand). VCF-style: chr12-21916953-T-C. GRCh37 (hg19) VCF-style: chr12-22069887-T-C.
Other names: c.557A>G, p.Asn186Ser (NM_005691.4, NM_001377273.1); c.-48-3887A>G (NM_001377274.1); short protein forms N186S.
Identifiers: ClinVar variation 4745819 (VCV004745819.2).
Genomic context (GRCh38, chr12:21,916,953, plus strand): 5'-GGTCTTGAATCCAAGTAACTAAACAAAAGCCATTAGCTACCTACCCTGACTCGAATGACA[T>C]TGATCTCCACAGCCATCAAGAGCCCATTCAAGATGACCATCATGCCTGTGATGCAGAAAC-3'
Protein context (NP_064693.2, residues 176-196): LNGLLMAVEI[Asn186Ser]VIRVRRYVFF